The following is an entry in ClinVar:

NM_004656.4(BAP1):c.1984-1G>A

Gene: BAP1 (BRCA1 associated deubiquitinase 1; minus strand). Cytogenetic location: 3p21.1.
Variant type: single nucleotide variant.
Coding change: c.1984-1G>A on transcript NM_004656.4 (MANE Select); the canonical splice acceptor site of the intron before coding-DNA position 1984, G replaced by A.
Molecular consequence: splice acceptor variant.
Genome position (GRCh38, 1-based): chr3:52,402,675, C>T on the plus strand (G>A on the coding strand, the complement: BAP1 is on the minus strand). VCF-style: chr3-52402675-C-T. GRCh37 (hg19) VCF-style: chr3-52436691-C-T.
Other names: c.1984-1G>A (NM_004656.2); c.1930-1G>A (NM_001410772.1).
Identifiers: ClinVar variation 472687 (VCV000472687.6), dbSNP rs1553644634, ClinGen allele CA353096404.
Genomic context (GRCh38, chr3:52,402,675, plus strand): 5'-CATGGAGATAAAGGTGCAGATGAACTCATCGTAGTTGTGGGTCCTTCTCTGGTCATCAAT[C>T]TGTAGGAGAGAAGAAGACTGAGAGCACTGGAGCCAATCTTGCCAGAGCAGCCACCAGTGG-3'

ClinVar aggregate classification (germline): Likely pathogenic. Review status: criteria provided, multiple submitters, no conflicts (2 of 4 stars). 2 submissions from 2 submitters: Likely pathogenic (2). Last evaluated 2026-02-27.

Conditions:
Hereditary cancer-predisposing syndrome. Also called: Neoplastic Syndromes, Hereditary; Tumor predisposition; Hereditary neoplastic syndrome; Hereditary Cancer Syndrome. Identifiers: Orphanet 140162, MedGen C0027672, MeSH D009386, MONDO:0015356.
BAP1-related tumor predisposition syndrome (TPDS1). Also called: BAP1 tumor predisposition syndrome; Tumor susceptibility linked to germline BAP1 mutations; COMMON Syndrome; TUMOR PREDISPOSITION SYNDROME 1. Identifiers: Orphanet 289539, MedGen C3280492, MONDO:0013692, OMIM 614327.

Submissions (2):

Ambry Genetics
Classification: Likely pathogenic for Hereditary cancer-predisposing syndrome. Last evaluated: 2026-02-27. Review status: criteria provided, single submitter. Criteria: Ambry Variant Classification Scheme 2023. Collection method: clinical testing. Allele origin: germline.
Comment: The c.1984-1G>A intronic variant results from a G to A substitution one nucleotide upstream from coding exon 16 of the BAP1 gene. Variants that disrupt the canonical splice site are expected to result in aberrant splicing. In silico splice site analysis predicts that this alteration will weaken the native splice acceptor site and will result in the creation or strengthening of a novel splice acceptor site. A resulting transcript is predicted to be in-frame and is not expected to trigger nonsense-mediated mRNAdecay; although, direct evidence is unavailable. However, the region predicted to be impacted is critical for protein function (Ambry internal data). This variant was non-functional in a high throughput genome editing haploid cell survival functional assay (Waters AJ et al. Nat Genet, 2024 Jul;56:1434-1445). This variant is considered to be rare based on population cohorts in the Genome Aggregation Database (gnomAD). This nucleotide position is highly conserved in available vertebrate species. Based on the majority of available evidence to date, this variant is likely to be pathogenic.

Labcorp Genetics (formerly Invitae), Labcorp
Classification: Likely pathogenic for BAP1-related tumor predisposition syndrome. Last evaluated: 2025-08-18. Review status: criteria provided, single submitter. Criteria: Invitae Variant Classification Sherloc (09022015). Collection method: clinical testing. Allele origin: germline.
Comment: This sequence change affects an acceptor splice site in intron 15 of the BAP1 gene. It is expected to disrupt RNA splicing. Variants that disrupt the donor or acceptor splice site typically lead to a loss of protein function (PMID: 16199547), and loss-of-function variants in BAP1 are known to be pathogenic (PMID: 21874000, 23684012). This variant is not present in population databases (gnomAD no frequency). This variant has not been reported in the literature in individuals affected with BAP1-related conditions. ClinVar contains an entry for this variant (Variation ID: 472687). Algorithms developed to predict the effect of sequence changes on RNA splicing suggest that this variant may disrupt the consensus splice site. In summary, the currently available evidence indicates that the variant is pathogenic, but additional data are needed to prove that conclusively. Therefore, this variant has been classified as Likely Pathogenic.

Literature cited by the submitters: PubMed 38969833 (cited by Ambry Genetics); PubMed 16199547 (cited by Labcorp Genetics (formerly Invitae), Labcorp); PubMed 21874000 (cited by Labcorp Genetics (formerly Invitae), Labcorp); PubMed 23684012 (cited by Labcorp Genetics (formerly Invitae), Labcorp).